The following is an entry in ClinVar:

ClinVar aggregate classification (germline): Uncertain significance (1 of 4 stars; one submission).

Submission:

Labcorp Genetics (formerly Invitae), Labcorp
Classification: Uncertain significance. Last evaluated: 2022-06-22. Review status: criteria provided, single submitter. Criteria: Invitae Variant Classification Sherloc (09022015). Collection method: clinical testing. Allele origin: germline.
Comment: Algorithms developed to predict the effect of missense changes on protein structure and function are either unavailable or do not agree on the potential impact of this missense change (SIFT: "Not Available"; PolyPhen-2: "Probably Damaging"; Align-GVGD: "Not Available"). In summary, the available evidence is currently insufficient to determine the role of this variant in disease. Therefore, it has been classified as a Variant of Uncertain Significance. This variant has not been reported in the literature in individuals affected with CEP250-related conditions. This variant is not present in population databases (gnomAD no frequency). This sequence change replaces cysteine, which is neutral and slightly polar, with serine, which is neutral and polar, at codon 220 of the CEP250 protein (p.Cys220Ser).

NM_007186.6(CEP250):c.659G>C (p.Cys220Ser)

Gene: CEP250 (centrosomal protein 250; plus strand). Cytogenetic location: 20q11.22.
Variant type: single nucleotide variant.
Coding change: c.659G>C on transcript NM_007186.6 (MANE Select); coding-DNA position 659, G replaced by C.
Protein change: p.Cys220Ser; replaces cysteine 220 with serine.
Molecular consequence: missense variant. On other transcripts: 5 prime UTR variant (1).
Genome position (GRCh38, 1-based): chr20:35,467,363, G>C. VCF-style: chr20-35467363-G-C. GRCh37 (hg19) VCF-style: chr20-34055188-G-C.
Other names: c.-1241G>C (NM_001318219.1); short protein forms C220S.
Identifiers: ClinVar variation 2009278 (VCV002009278.4), dbSNP rs2515604392, ClinGen allele CA408755531.